The following is an entry in ClinVar:

NM_000057.4(BLM):c.1336A>T (p.Thr446Ser)

Gene: BLM (BLM RecQ like helicase; plus strand). Cytogenetic location: 15q26.1.
Variant type: single nucleotide variant.
Coding change: c.1336A>T on transcript NM_000057.4 (MANE Select); coding-DNA position 1336, A replaced by T.
Protein change: p.Thr446Ser; replaces threonine 446 with serine.
Molecular consequence: missense variant.
Genome position (GRCh38, 1-based): chr15:90,760,709, A>T. VCF-style: chr15-90760709-A-T. GRCh37 (hg19) VCF-style: chr15-91303939-A-T.
Other names: c.1336A>T, p.Thr446Ser (NM_001287246.2, NM_001287247.2); c.211A>T, p.Thr71Ser (NM_001287248.2); short protein forms T446S, T71S.
Identifiers: ClinVar variation 570155 (VCV000570155.9), dbSNP rs1567040932, ClinGen allele CA393842841.

ClinVar aggregate classification (germline): Uncertain significance (1 of 4 stars; one submission).

Conditions:
Bloom syndrome (BLM). Also called: Bloom-Torre-Machacek syndrome. Identifiers: Orphanet 125, MedGen C0005859, MONDO:0008876, OMIM 210900.

Submission:

Labcorp Genetics (formerly Invitae), Labcorp
Classification: Uncertain significance for Bloom syndrome. Last evaluated: 2025-04-28. Review status: criteria provided, single submitter. Criteria: Invitae Variant Classification Sherloc (09022015). Collection method: clinical testing. Allele origin: germline.
Comment: This sequence change replaces threonine, which is neutral and polar, with serine, which is neutral and polar, at codon 446 of the BLM protein (p.Thr446Ser). This variant is not present in population databases (gnomAD no frequency). This variant has not been reported in the literature in individuals affected with BLM-related conditions. ClinVar contains an entry for this variant (Variation ID: 570155). Invitae Evidence Modeling of protein sequence and biophysical properties (such as structural, functional, and spatial information, amino acid conservation, physicochemical variation, residue mobility, and thermodynamic stability) indicates that this missense variant is not expected to disrupt BLM protein function with a negative predictive value of 80%. In summary, the available evidence is currently insufficient to determine the role of this variant in disease. Therefore, it has been classified as a Variant of Uncertain Significance.